The following is an entry in ClinVar:

ClinVar aggregate classification (germline): Likely benign (1 of 4 stars; one submission).

gnomAD v4.1: 4,948 of 1,231,662 alleles (0.4%); highest among the groups gnomAD compares: Non-Finnish European, 0.47%; 14 homozygotes.

Submission:

CeGaT Center for Human Genetics Tuebingen
Classification: Likely benign. Last evaluated: 2025-10-01. Review status: criteria provided, single submitter. Criteria: CeGaT Center For Human Genetics Tuebingen Variant Classification Criteria Version 2. Collection method: clinical testing. Allele origin: germline. Affected: yes. Observed: 2 variant alleles.
Comment: ERFL: BS2

NM_001365103.2(ERFL):c.794C>T (p.Ser265Leu)

Genes: ARHGEF1 (Rho guanine nucleotide exchange factor 1; plus strand), ERFL (ETS repressor factor like; minus strand). Cytogenetic location: 19q13.2.
Variant type: single nucleotide variant.
Coding change: c.794C>T on transcript NM_001365103.2 (MANE Select); coding-DNA position 794, C replaced by T.
Protein change: p.Ser265Leu; replaces serine 265 with leucine.
Molecular consequence: missense variant. On other transcripts: intron variant (2).
Genome position (GRCh38, 1-based): chr19:41,908,499, G>A on the plus strand (C>T on the coding strand, the complement: ERFL is on the minus strand). VCF-style: chr19-41908499-G-A. GRCh37 (hg19) VCF-style: chr19-42412651-G-A.
Other names: c.2592+1696G>A (NM_001396003.1); c.2493+1696G>A (NM_001396002.1); short protein forms S265L.
Identifiers: ClinVar variation 3388920 (VCV003388920.14).
Genomic context (GRCh38, chr19:41,908,499, plus strand): 5'-AGGCCCTCCCCTGTCGAGGCCAGCAGGGGCGTGGCTGTGGGGCCTCCCCCTGCCCCTGAC[G>A]AGGGCAGGTGGCCCAGGGAACTGGCCAGAGGGTTGGGGTAGAAATGCGGGGGGTAGAGAG-3'
Protein context (NP_001352032.1, residues 255-275): PLASSLGHLP[Ser265Leu]SGAGGGPTAT